The following is an entry in ClinVar:

NM_001378120.1(MBD5):c.2144T>C (p.Leu715Ser)

Gene: MBD5 (methyl-CpG binding domain protein 5; plus strand). Cytogenetic location: 2q23.1.
Variant type: single nucleotide variant.
Coding change: c.2144T>C on transcript NM_001378120.1 (MANE Select); coding-DNA position 2144, T replaced by C.
Protein change: p.Leu715Ser; replaces leucine 715 with serine.
Molecular consequence: missense variant.
Genome position (GRCh38, 1-based): chr2:148,470,087, T>C. VCF-style: chr2-148470087-T-C. GRCh37 (hg19) VCF-style: chr2-149227656-T-C.
Other names: c.2144T>C, p.Leu715Ser (NM_018328.5); short protein forms L715S.
Identifiers: ClinVar variation 3602920 (VCV003602920.1).

ClinVar aggregate classification (germline): Uncertain significance (1 of 4 stars; one submission).

gnomAD v4.1: 1 of 1,613,898 alleles (0.000062%); highest among the groups gnomAD compares: Non-Finnish European, 0.000085%; no homozygotes.

Submission:

GeneDx
Classification: Uncertain significance. Last evaluated: 2024-08-06. Review status: criteria provided, single submitter. Criteria: GeneDx Variant Classification Process June 2021. Collection method: clinical testing. Allele origin: germline. Affected: yes.
Comment: Not observed at significant frequency in large population cohorts (gnomAD); In silico analysis indicates that this missense variant does not alter protein structure/function; Has not been previously published as pathogenic or benign to our knowledge